The following is an entry in ClinVar:

NM_152383.5(DIS3L2):c.1297A>G (p.Ser433Gly)

Gene: DIS3L2 (DIS3 like 3'-5' exoribonuclease 2; plus strand). Cytogenetic location: 2q37.1.
Variant type: single nucleotide variant.
Coding change: c.1297A>G on transcript NM_152383.5 (MANE Select); coding-DNA position 1297, A replaced by G.
Protein change: p.Ser433Gly; replaces serine 433 with glycine.
Molecular consequence: missense variant. On other transcripts: non-coding transcript variant (2).
Genome position (GRCh38, 1-based): chr2:232,238,625, A>G. VCF-style: chr2-232238625-A-G. GRCh37 (hg19) VCF-style: chr2-233103335-A-G.
Other names: c.1297A>G, p.Ser433Gly (NM_001257281.2); short protein forms S433G.
Identifiers: ClinVar variation 1358831 (VCV001358831.8), dbSNP rs2106252367, ClinGen allele CA351154751.

ClinVar aggregate classification (germline): Uncertain significance (1 of 4 stars; one submission).

Conditions:
Perlman syndrome (PRLMNS). Identifiers: Orphanet 2849, MedGen C0796113, MONDO:0009965, OMIM 267000.

Submission:

Labcorp Genetics (formerly Invitae), Labcorp
Classification: Uncertain significance for Perlman syndrome. Last evaluated: 2025-03-21. Review status: criteria provided, single submitter. Criteria: Invitae Variant Classification Sherloc (09022015). Collection method: clinical testing. Allele origin: germline.
Comment: This sequence change replaces serine, which is neutral and polar, with glycine, which is neutral and non-polar, at codon 433 of the DIS3L2 protein (p.Ser433Gly). This variant is not present in population databases (gnomAD no frequency). This variant has not been reported in the literature in individuals affected with DIS3L2-related conditions. ClinVar contains an entry for this variant (Variation ID: 1358831). Invitae Evidence Modeling of protein sequence and biophysical properties (such as structural, functional, and spatial information, amino acid conservation, physicochemical variation, residue mobility, and thermodynamic stability) has been performed for this missense variant. However, the output from this modeling did not meet the statistical confidence thresholds required to predict the impact of this variant on DIS3L2 protein function. In summary, the available evidence is currently insufficient to determine the role of this variant in disease. Therefore, it has been classified as a Variant of Uncertain Significance.